The following is an entry in ClinVar:

NM_006939.4(SOS2):c.1711G>A (p.Glu571Lys)

Gene: SOS2 (SOS Ras/Rho guanine nucleotide exchange factor 2; minus strand). Cytogenetic location: 14q21.3.
Variant type: single nucleotide variant.
Coding change: c.1711G>A on transcript NM_006939.4 (MANE Select); coding-DNA position 1711, G replaced by A.
Protein change: p.Glu571Lys; replaces glutamic acid 571 with lysine.
Molecular consequence: missense variant.
Genome position (GRCh38, 1-based): chr14:50,159,572, C>T on the plus strand (G>A on the coding strand, the complement: SOS2 is on the minus strand). VCF-style: chr14-50159572-C-T. GRCh37 (hg19) VCF-style: chr14-50626290-C-T.
Other names: c.1612G>A, p.Glu538Lys (NM_001411020.1); short protein forms E538K, E571K.
Identifiers: ClinVar variation 2037053 (VCV002037053.4), dbSNP rs770543029, ClinGen allele CA389645150.

ClinVar aggregate classification (germline): Uncertain significance (1 of 4 stars; one submission).

Conditions:
Noonan syndrome 9 (NS9). Identifiers: Orphanet 648, MedGen C4225282, MONDO:0014691, OMIM 616559.

Allele frequency attached by ClinVar (database versions not stated): gnomAD 0.00001.
gnomAD v4.1: 1 of 1,613,816 alleles (0.000062%); highest among the groups gnomAD compares: African/African-American, 0.0013%; no homozygotes.

Submission:

Labcorp Genetics (formerly Invitae), Labcorp
Classification: Uncertain significance for Noonan syndrome 9. Last evaluated: 2022-03-18. Review status: criteria provided, single submitter. Criteria: Invitae Variant Classification Sherloc (09022015). Collection method: clinical testing. Allele origin: germline.
Comment: This variant has not been reported in the literature in individuals affected with SOS2-related conditions. This variant is not present in population databases (gnomAD no frequency). This sequence change replaces glutamic acid, which is acidic and polar, with lysine, which is basic and polar, at codon 571 of the SOS2 protein (p.Glu571Lys). Advanced modeling of protein sequence and biophysical properties (such as structural, functional, and spatial information, amino acid conservation, physicochemical variation, residue mobility, and thermodynamic stability) performed at Invitae indicates that this missense variant is not expected to disrupt SOS2 protein function. In summary, the available evidence is currently insufficient to determine the role of this variant in disease. Therefore, it has been classified as a Variant of Uncertain Significance.